The following is an entry in ClinVar:

ClinVar aggregate classification (germline): Uncertain significance (1 of 4 stars; one submission).

gnomAD v4.1: 79 of 764,954 alleles (0.01%); highest among the groups gnomAD compares: South Asian, 0.051%; 1 homozygote.

Submission:

Labcorp Genetics (formerly Invitae), Labcorp
Classification: Uncertain significance. Last evaluated: 2025-06-09. Review status: criteria provided, single submitter. Criteria: Invitae Variant Classification Sherloc (09022015). Collection method: clinical testing. Allele origin: germline.
Comment: This variant occurs in the SNORD118 gene, which encodes an RNA molecule that does not result in a protein product. This variant is present in population databases (rs550983276, gnomAD 0.06%). This variant has not been reported in the literature in individuals affected with SNORD118-related conditions. ClinVar contains an entry for this variant (Variation ID: 1515494). Experimental studies and prediction algorithms are not available or were not evaluated, and the functional significance of this variant is currently unknown. In summary, the available evidence is currently insufficient to determine the role of this variant in disease. Therefore, it has been classified as a Variant of Uncertain Significance.

NR_033294.2(SNORD118):n.49T>G

Genes: SNORD118 (small nucleolar RNA, C/D box 118; minus strand), TMEM107 (transmembrane protein 107; minus strand). Cytogenetic location: 17p13.1.
Variant type: single nucleotide variant.
Molecular consequence: non-coding transcript variant (on NR_033294.2). On other transcripts: 3 prime UTR variant (5).
Genome position: GRCh38 VCF-style: chr17-8173540-A-C. GRCh37 (hg19) VCF-style: chr17-8076858-A-C.
Other names: c.*663T>G (NM_001351278.2, NM_001351279.2, NM_001351280.2 and 2 more transcripts).
Identifiers: ClinVar variation 1515494 (VCV001515494.5), dbSNP rs550983276, ClinGen allele CA8370732.